The following is an entry in ClinVar:

NM_000142.5(FGFR3):c.1923C>T (p.Asp641=)

Gene: FGFR3 (fibroblast growth factor receptor 3; plus strand). Cytogenetic location: 4p16.3.
Variant type: single nucleotide variant.
Coding change: c.1923C>T on transcript NM_000142.5 (MANE Select); coding-DNA position 1923, C replaced by T.
Protein change: p.Asp641=; no amino-acid change (aspartic acid 641 retained).
Molecular consequence: synonymous variant. On other transcripts: non-coding transcript variant (1).
Genome position (GRCh38, 1-based): chr4:1,806,137, C>T. VCF-style: chr4-1806137-C-T. GRCh37 (hg19) VCF-style: chr4-1807864-C-T.
Other names: c.1929C>T, p.Asp643= (NM_001163213.2); c.1926C>T, p.Asp642= (NM_001354809.2, NM_001354810.2); c.1587C>T, p.Asp529= (NM_022965.4).
Identifiers: ClinVar variation 497445 (VCV000497445.29), dbSNP rs148104605, ClinGen allele CA2810625.

ClinVar aggregate classification (germline): Conflicting classifications of pathogenicity. Review status: criteria provided, conflicting classifications (1 of 4 stars). 8 submissions from 8 submitters: Uncertain significance (1); Benign (2); Likely benign (3). 2 of the submissions do not count toward it. Last evaluated 2026-07-01.

Allele frequency attached by ClinVar (database versions not stated): gnomAD exomes 0.00012 and 0.00028; 1000 Genomes Project 30x 0.00016; 1000 Genomes Project 0.00020; ExAC 0.00041; gnomAD 0.00073 and 0.00081; TOPMed 0.00101; ESP Exome Variant Server 0.00115.
gnomAD v4.1: 304 of 1,613,140 alleles (0.019%); highest among the groups gnomAD compares: African/African-American, 0.26%; no homozygotes.

Submissions (8):

CeGaT Center for Human Genetics Tuebingen
Classification: Likely benign. Last evaluated: 2026-07-01. Review status: criteria provided, single submitter. Criteria: CeGaT Center For Human Genetics Tuebingen Variant Classification Criteria Version 2. Collection method: clinical testing. Allele origin: germline. Affected: yes. Observed: 1 variant allele.
Comment: FGFR3: BP4, BP7

Labcorp Genetics (formerly Invitae), Labcorp
Classification: Benign. Last evaluated: 2025-12-03. Review status: criteria provided, single submitter. Criteria: Invitae Variant Classification Sherloc (09022015). Collection method: clinical testing. Allele origin: germline.

Blueprint Genetics
Classification: Likely benign. Last evaluated: 2024-08-22. Review status: criteria provided, single submitter. Criteria: ACMG Guidelines, 2015. Collection method: clinical testing. Allele origin: germline.

ARUP Laboratories, Molecular Genetics and Genomics, ARUP Laboratories
Classification: Likely benign. Last evaluated: 2020-10-18. Review status: criteria provided, single submitter. Criteria: ARUP Molecular Germline Variant Investigation Process 2021. Collection method: clinical testing. Allele origin: germline.

GeneDx
Classification: Benign. Last evaluated: 2018-07-03. Review status: criteria provided, single submitter. Criteria: GeneDx Variant Classification Process June 2021. Collection method: clinical testing. Allele origin: germline. Affected: yes.

Eurofins Ntd Llc (ga)
Classification: Uncertain significance. Last evaluated: 2016-10-20. Review status: criteria provided, single submitter. Criteria: EGL Classification Definitions 2015. Collection method: clinical testing. Allele origin: germline. Observed: 1 variant allele, 1 heterozygote.

Clinical Genetics DNA and cytogenetics Diagnostics Lab, Erasmus MC, Erasmus Medical Center
Classification: Likely benign. Review status: no assertion criteria provided. Collection method: clinical testing. Allele origin: germline. Affected: yes. Study: VKGL Data-share Consensus. Not counted in ClinVar's aggregate classification.

Laboratory of Diagnostic Genome Analysis, Leiden University Medical Center (LUMC)
Classification: Likely benign. Review status: no assertion criteria provided. Collection method: clinical testing. Allele origin: germline. Affected: yes. Study: VKGL Data-share Consensus. Not counted in ClinVar's aggregate classification.